The following is an entry in ClinVar:

NM_002206.3(ITGA7):c.2909C>T (p.Ala970Val)

Gene: ITGA7 (integrin subunit alpha 7; minus strand). Cytogenetic location: 12q13.2.
Variant type: single nucleotide variant.
Coding change: c.2909C>T on transcript NM_002206.3 (MANE Select); coding-DNA position 2909, C replaced by T.
Protein change: p.Ala970Val; replaces alanine 970 with valine.
Molecular consequence: missense variant.
Genome position (GRCh38, 1-based): chr12:55,688,893, G>A on the plus strand (C>T on the coding strand, the complement: ITGA7 is on the minus strand). VCF-style: chr12-55688893-G-A. GRCh37 (hg19) VCF-style: chr12-56082677-G-A.
Other names: c.2684C>T, p.Ala895Val (NM_001414034.1); c.2921C>T, p.Ala974Val (NM_001144996.2); c.2630C>T, p.Ala877Val (NM_001144997.2); c.2582C>T, p.Ala861Val (NM_001367993.1); c.1565C>T, p.Ala522Val (NM_001367994.1); c.2891C>T, p.Ala964Val (NM_001374465.1); c.3041C>T, p.Ala1014Val (NM_001410977.1); c.2903C>T, p.Ala968Val (NM_001414029.1); and 5 more; short protein forms A877V, A970V, A522V, A861V, A974V, A1014V, A964V, A930V.
Identifiers: ClinVar variation 373222 (VCV000373222.7), dbSNP rs201354330, ClinGen allele CA6615416.

ClinVar aggregate classification (germline): Uncertain significance. Review status: criteria provided, multiple submitters, no conflicts (2 of 4 stars). 3 submissions from 3 submitters: Uncertain significance (3). Last evaluated 2022-08-17.

Conditions:
Congenital muscular dystrophy due to integrin alpha-7 deficiency. Also called: MYOPATHY, CONGENITAL, DUE TO INTEGRIN ALPHA-7 DEFICIENCY; Congenital muscular dystrophy with integrin alpha-7 deficiency; Muscular dystrophy, congenital, due to ITGA7 deficiency. Identifiers: Orphanet 34520, MedGen C2750786, MONDO:0013177, OMIM 613204.

Allele frequency attached by ClinVar (database versions not stated): gnomAD 0.00005 and 0.00006; TOPMed 0.00007; ESP Exome Variant Server 0.00008.
gnomAD v4.1: 71 of 1,613,866 alleles (0.0044%); highest among the groups gnomAD compares: African/African-American, 0.019%; no homozygotes.

Submissions (3):

Labcorp Genetics (formerly Invitae), Labcorp
Classification: Uncertain significance for Congenital muscular dystrophy due to integrin alpha-7 deficiency. Last evaluated: 2022-08-17. Review status: criteria provided, single submitter. Criteria: Invitae Variant Classification Sherloc (09022015). Collection method: clinical testing. Allele origin: germline.
Comment: This sequence change replaces alanine, which is neutral and non-polar, with valine, which is neutral and non-polar, at codon 970 of the ITGA7 protein (p.Ala970Val). This variant is present in population databases (rs201354330, gnomAD 0.02%). This variant has not been reported in the literature in individuals affected with ITGA7-related conditions. ClinVar contains an entry for this variant (Variation ID: 373222). Algorithms developed to predict the effect of missense changes on protein structure and function output the following: SIFT: "Tolerated"; PolyPhen-2: "Benign"; Align-GVGD: "Class C0". The valine amino acid residue is found in multiple mammalian species, which suggests that this missense change does not adversely affect protein function. In summary, the available evidence is currently insufficient to determine the role of this variant in disease. Therefore, it has been classified as a Variant of Uncertain Significance.

Fulgent Genetics
Classification: Uncertain significance for Congenital muscular dystrophy due to integrin alpha-7 deficiency. Last evaluated: 2018-10-31. Review status: criteria provided, single submitter. Criteria: ACMG Guidelines, 2015. Collection method: clinical testing. Allele origin: unknown.

GeneDx
Classification: Uncertain significance. Last evaluated: 2016-11-18. Review status: criteria provided, single submitter. Criteria: GeneDx Variant Classification (06012015). Collection method: clinical testing. Allele origin: germline. Affected: yes.
Comment: The A970V variant has not been published as a pathogenic variant, nor has it been reported as a benign variant to our knowledge. It was not observed with any significant frequency in approximately 6,500 individuals of European and African American ancestry in the NHLBI Exome Sequencing Project. The A970V variant is a conservative amino acid substitution, which is not likely to impact secondary protein structure as these residues share similar properties. This substitution occurs at a position that is not conserved, and Valine has been observed at this position in evolution. However, in silico analysis is inconsistent in its predictions as to whether or not the variant is damaging to the protein structure/function.